The following is an entry in ClinVar:

ClinVar aggregate classification (germline): Conflicting classifications of pathogenicity. Review status: criteria provided, conflicting classifications (1 of 4 stars). 3 submissions from 3 submitters: Uncertain significance (2); Likely benign (1). Last evaluated 2025-12-03.

Conditions:
Familial thoracic aortic aneurysm and aortic dissection (TAAD). Also called: Thoracic aortic aneurysms and dissections. Identifiers: Orphanet 91387, MedGen C4707243, MONDO:0019625.
Ehlers-Danlos syndrome, kyphoscoliotic type 1 (EDSKSCL1). Also called: PLOD1-Related Kyphoscoliotic Ehlers-Danlos Syndrome; EHLERS-DANLOS SYNDROME, TYPE VIA; EHLERS-DANLOS SYNDROME, OCULAR-SCOLIOTIC TYPE; Ehlers-Danlos syndrome, hydroxylysine-deficient. Identifiers: Orphanet 1900, MedGen C0268342, MONDO:0016002, OMIM 225400. Disease mechanism: loss of function.

Allele frequency attached by ClinVar (database versions not stated): gnomAD 0.00005 and below 0.00001; 1000 Genomes Project 0.00020; 1000 Genomes Project 30x 0.00047; gnomAD exomes 0.00006 and 0.00011; ExAC 0.00014; TOPMed below 0.00001.
gnomAD v4.1: 99 of 1,613,856 alleles (0.0061%); highest among the groups gnomAD compares: South Asian, 0.1%; 2 homozygotes.

Submissions (3):

Labcorp Genetics (formerly Invitae), Labcorp
Classification: Likely benign for Ehlers-Danlos syndrome, kyphoscoliotic type 1. Last evaluated: 2025-12-03. Review status: criteria provided, single submitter. Criteria: Invitae Variant Classification Sherloc (09022015). Collection method: clinical testing. Allele origin: germline.

Ambry Genetics
Classification: Uncertain significance for Familial thoracic aortic aneurysm and aortic dissection. Last evaluated: 2025-10-25. Review status: criteria provided, single submitter. Criteria: Ambry Variant Classification Scheme 2023. Collection method: clinical testing. Allele origin: germline.
Comment: The p.D234E variant (also known as c.702C>G), located in coding exon 7 of the PLOD1 gene, results from a C to G substitution at nucleotide position 702. The aspartic acid at codon 234 is replaced by glutamic acid, an amino acid with highly similar properties. This amino acid position is conserved. In addition, this alteration is predicted to be tolerated by in silico analysis. Since supporting evidence is limited at this time, the clinical significance of this alteration remains unclear.

Women's Health and Genetics/Laboratory Corporation of America, LabCorp
Classification: Uncertain significance. Last evaluated: 2025-10-22. Review status: criteria provided, single submitter. Criteria: LabCorp Variant Classification Summary - May 2015. Collection method: clinical testing. Allele origin: germline.
Comment: Variant summary: PLOD1 c.702C>G (p.Asp234Glu) results in a conservative amino acid change in the encoded protein sequence. Algorithms developed to predict the effect of missense changes on protein structure and function are either unavailable or do not agree on the potential impact of this missense change. The variant allele was found at a frequency of 0.00011 in 251474 control chromosomes in the gnomAD database, including 1 homozygotes. This frequency is not significantly higher than estimated for disease-causing variants in PLOD1, allowing no conclusion about variant significance. To our knowledge, no occurrence of c.702C>G in individuals affected with PLOD1-related conditions and no experimental evidence demonstrating its impact on protein function have been reported. ClinVar contains an entry for this variant (Variation ID: 647304). Based on the evidence outlined above, the variant was classified as uncertain significance.

NM_000302.4(PLOD1):c.702C>G (p.Asp234Glu)

Gene: PLOD1 (procollagen-lysine,2-oxoglutarate 5-dioxygenase 1; plus strand). Cytogenetic location: 1p36.22.
Variant type: single nucleotide variant.
Coding change: c.702C>G on transcript NM_000302.4 (MANE Select); coding-DNA position 702, C replaced by G.
Protein change: p.Asp234Glu; replaces aspartic acid 234 with glutamic acid.
Molecular consequence: missense variant.
Genome position (GRCh38, 1-based): chr1:11,956,975, C>G. VCF-style: chr1-11956975-C-G. GRCh37 (hg19) VCF-style: chr1-12017032-C-G.
Other names: c.843C>G, p.Asp281Glu (NM_001316320.2); short protein forms D281E, D234E.
Identifiers: ClinVar variation 647304 (VCV000647304.16), dbSNP rs566018612, ClinGen allele CA598052.